The following is an entry in ClinVar:

NM_002029.4(FPR1):c.1010A>G (p.Asn337Ser)

Gene: FPR1 (formyl peptide receptor 1; minus strand). Cytogenetic location: 19q13.41.
Variant type: single nucleotide variant.
Coding change: c.1010A>G on transcript NM_002029.4 (MANE Select); coding-DNA position 1010, A replaced by G.
Protein change: p.Asn337Ser; replaces asparagine 337 with serine.
Molecular consequence: missense variant.
Genome position (GRCh38, 1-based): chr19:51,745,985, T>C on the plus strand (A>G on the coding strand, the complement: FPR1 is on the minus strand). VCF-style: chr19-51745985-T-C. GRCh37 (hg19) VCF-style: chr19-52249238-T-C.
Other names: c.1010A>G, p.Asn337Ser (NM_001193306.2); short protein forms N337S.
Identifiers: ClinVar variation 2788195 (VCV002788195.3), dbSNP rs771713666, ClinGen allele CA9616341.

ClinVar aggregate classification (germline): Uncertain significance (1 of 4 stars; one submission).

Conditions:
Gingival disorder. Also called: Gingival disease. Identifiers: MedGen C0017563, MONDO:0002021.

Allele frequency attached by ClinVar (database versions not stated): gnomAD exomes 0.00001; ExAC 0.00002.

Submission:

Labcorp Genetics (formerly Invitae), Labcorp
Classification: Uncertain significance for Gingival disorder. Last evaluated: 2023-02-24. Review status: criteria provided, single submitter. Criteria: Invitae Variant Classification Sherloc (09022015). Collection method: clinical testing. Allele origin: germline.
Comment: In summary, the available evidence is currently insufficient to determine the role of this variant in disease. Therefore, it has been classified as a Variant of Uncertain Significance. Algorithms developed to predict the effect of missense changes on protein structure and function output the following: SIFT: "Not Available"; PolyPhen-2: "Benign"; Align-GVGD: "Not Available". The serine amino acid residue is found in multiple mammalian species, which suggests that this missense change does not adversely affect protein function. This variant has not been reported in the literature in individuals affected with FPR1-related conditions. This variant is present in population databases (rs771713666, gnomAD 0.006%). This sequence change replaces asparagine, which is neutral and polar, with serine, which is neutral and polar, at codon 337 of the FPR1 protein (p.Asn337Ser).